The following is an entry in ClinVar:

ClinVar aggregate classification (germline): Benign (1 of 4 stars; one submission).

Conditions:
Melanoma-pancreatic cancer syndrome. Identifiers: Orphanet 404560, MedGen C1838547, MONDO:0011713, OMIM 606719. Disease mechanism: loss of function.

Submission:

Myriad Genetics, Inc.
Classification: Benign for Melanoma-pancreatic cancer syndrome. Last evaluated: 2025-08-13. Review status: criteria provided, single submitter. Criteria: Myriad Autosomal Dominant, Autosomal Recessive and X-Linked Classification Criteria (2023). Collection method: clinical testing. Allele origin: unknown.
Comment: This variant is considered benign. This variant is a silent/synonymous amino acid change and it is not expected to impact splicing.

NM_000077.5(CDKN2A):c.111G>T (p.Leu37=)

Gene: CDKN2A (cyclin dependent kinase inhibitor 2A; minus strand). Cytogenetic location: 9p21.3.
Variant type: single nucleotide variant.
Coding change: c.111G>T on transcript NM_000077.5; coding-DNA position 111, G replaced by T.
Protein change: p.Leu37=; no amino-acid change (leucine 37 retained).
Molecular consequence: synonymous variant (on NM_000077.6). On other transcripts: intron variant (2).
Genome position (GRCh38, 1-based): chr9:21,974,717, C>A on the plus strand (G>T on the coding strand, the complement: CDKN2A is on the minus strand). VCF-style: chr9-21974717-C-A. GRCh37 (hg19) VCF-style: chr9-21974716-C-A.
Other names: c.111G>T, p.Leu37= (NM_000077.6, NM_001195132.2, NM_058197.5); c.-3-3509G>T (NM_001363763.2); c.194-3509G>T (NM_058195.4).
Identifiers: ClinVar variation 4294204 (VCV004294204.1).
Genomic context (GRCh38, chr9:21,974,717, plus strand): 5'-CGCTGCAGACCCTCTACCCACCTGGATCGGCCTCCGACCGTAACTATTCGGTGCGTTGGG[C>A]AGCGCCCCCGCCTCCAGCAGCGCCCGCACCTCCTCTACCCGACCCCGGGCCGCGGCCGTG-3'
Protein context (NP_000068.1, residues 27-47): EVRALLEAGA[Leu37=]PNAPNSYGRR